The following is an entry in ClinVar:

ClinVar aggregate classification (germline): Uncertain significance (1 of 4 stars; one submission).

Submission:

Labcorp Genetics (formerly Invitae), Labcorp
Classification: Uncertain significance. Last evaluated: 2023-08-17. Review status: criteria provided, single submitter. Criteria: Invitae Variant Classification Sherloc (09022015). Collection method: clinical testing. Allele origin: germline.
Comment: In summary, the available evidence is currently insufficient to determine the role of this variant in disease. Therefore, it has been classified as a Variant of Uncertain Significance. This variant has not been reported in the literature in individuals affected with ANKRD26-related conditions. A copy number gain of the genomic region encompassing the full coding sequence of the ANKRD26 gene has been identified. The boundaries of this event are unknown as they extend beyond the assayed region for this gene and therefore may encompass additional genes. As the precise location of this event is unknown, it may be in tandem or it may be located elsewhere in the genome.

NC_000010.10:g.(?_27294519)_(27443139_?)dup

Genes: ANKRD26 (ankyrin repeat domain containing 26; minus strand), YME1L1 (YME1 like 1 ATPase; minus strand). Cytogenetic location: 10p12.1.
Variant type: Duplication.
Identifiers: ClinVar variation 2426003 (VCV002426003.4).